The following is an entry in ClinVar:

NM_000048.4(ASL):c.655G>C (p.Glu219Gln)

Gene: ASL (argininosuccinate lyase; plus strand). Cytogenetic location: 7q11.21.
Variant type: single nucleotide variant.
Coding change: c.655G>C on transcript NM_000048.4 (MANE Select); coding-DNA position 655, G replaced by C.
Protein change: p.Glu219Gln; replaces glutamic acid 219 with glutamine.
Molecular consequence: missense variant.
Genome position (GRCh38, 1-based): chr7:66,087,386, G>C. VCF-style: chr7-66087386-G-C. GRCh37 (hg19) VCF-style: chr7-65552373-G-C.
Other names: c.655G>C, p.Glu219Gln (NM_001024943.2, NM_001024944.2); c.577G>C, p.Glu193Gln (NM_001024946.2); short protein forms E219Q, E193Q.
Identifiers: ClinVar variation 842417 (VCV000842417.10), dbSNP rs944576125, ClinGen allele CA159931699.
Genomic context (GRCh38, chr7:66,087,386, plus strand): 5'-CCCTGCAGTGGGGCCATTGCAGGCAATCCCCTGGGTGTGGACCGAGAGCTGCTCCGAGCA[G>C]GTGAGACGTCCTGCCCCTCCTCCCCAGGGAGAATCACCCTCAGCACCCGCCAAGACCTGC-3'
Protein context (NP_000039.2, residues 209-229): LGVDRELLRA[Glu219Gln]LNFGAITLNS

ClinVar aggregate classification (germline): Likely pathogenic. Review status: criteria provided, multiple submitters, no conflicts (2 of 4 stars). 2 submissions from 2 submitters: Likely pathogenic (2). Last evaluated 2024-04-29.

Conditions:
Argininosuccinate lyase deficiency. Also called: ARGININOSUCCINIC ACID LYASE DEFICIENCY; ASL DEFICIENCY; Argininosuccinic aciduria. Identifiers: Orphanet 23, MedGen C0268547, MONDO:0008815, OMIM 207900, HP:0025630.

Allele frequency attached by ClinVar (database versions not stated): gnomAD exomes below 0.00001; TOPMed below 0.00001; gnomAD 0.00001.
gnomAD v4.1: 3 of 1,607,026 alleles (0.00019%); highest among the groups gnomAD compares: Non-Finnish European, 0.00025%; no homozygotes.

Submissions (2):

Fulgent Genetics
Classification: Likely pathogenic for Argininosuccinate lyase deficiency. Last evaluated: 2024-04-29. Review status: criteria provided, single submitter. Criteria: ACMG Guidelines, 2015. Collection method: clinical testing. Allele origin: germline.

Labcorp Genetics (formerly Invitae), Labcorp
Classification: Likely pathogenic for Argininosuccinate lyase deficiency. Last evaluated: 2024-04-09. Review status: criteria provided, single submitter. Criteria: Invitae Variant Classification Sherloc (09022015). Collection method: clinical testing. Allele origin: germline.
Comment: This sequence change replaces glutamic acid, which is acidic and polar, with glutamine, which is neutral and polar, at codon 219 of the ASL protein (p.Glu219Gln). This variant also falls at the last nucleotide of exon 9, which is part of the consensus splice site for this exon. This variant is present in population databases (no rsID available, gnomAD 0.0009%). This missense change has been observed in individual(s) with clinical features of argininosuccinate lyase deficiency (Invitae). In at least one individual the data is consistent with being in trans (on the opposite chromosome) from a pathogenic variant. ClinVar contains an entry for this variant (Variation ID: 842417). An algorithm developed to predict the effect of missense changes on protein structure and function (PolyPhen-2) suggests that this variant is likely to be disruptive. Variants that disrupt the consensus splice site are a relatively common cause of aberrant splicing (PMID: 17576681, 9536098). Algorithms developed to predict the effect of sequence changes on RNA splicing suggest that this variant may disrupt the consensus splice site. In summary, the currently available evidence indicates that the variant is pathogenic, but additional data are needed to prove that conclusively. Therefore, this variant has been classified as Likely Pathogenic.

Literature cited by the submitters: PubMed 17576681 (cited by Labcorp Genetics (formerly Invitae), Labcorp); PubMed 9536098 (cited by Labcorp Genetics (formerly Invitae), Labcorp).